The following is an entry in ClinVar:

ClinVar aggregate classification (germline): Uncertain significance. Review status: criteria provided, multiple submitters, no conflicts (2 of 4 stars). 2 submissions from 2 submitters: Uncertain significance (2). Last evaluated 2025-05-30.

Conditions:
Inborn genetic diseases. Identifiers: MedGen C0950123, MeSH D030342.

Submissions (2):

Labcorp Genetics (formerly Invitae), Labcorp
Classification: Uncertain significance. Last evaluated: 2025-05-30. Review status: criteria provided, single submitter. Criteria: Invitae Variant Classification Sherloc (09022015). Collection method: clinical testing. Allele origin: germline.
Comment: This sequence change replaces serine, which is neutral and polar, with leucine, which is neutral and non-polar, at codon 584 of the SAMD9L protein (p.Ser584Leu). This variant is not present in population databases (gnomAD no frequency). This variant has not been reported in the literature in individuals affected with SAMD9L-related conditions. ClinVar contains an entry for this variant (Variation ID: 3437235). Invitae Evidence Modeling of protein sequence and biophysical properties (such as structural, functional, and spatial information, amino acid conservation, physicochemical variation, residue mobility, and thermodynamic stability) indicates that this missense variant is not expected to disrupt SAMD9L protein function with a negative predictive value of 80%. In summary, the available evidence is currently insufficient to determine the role of this variant in disease. Therefore, it has been classified as a Variant of Uncertain Significance.

Ambry Genetics
Classification: Uncertain significance for Inborn genetic diseases. Last evaluated: 2024-12-07. Review status: criteria provided, single submitter. Criteria: Ambry Variant Classification Scheme 2023. Collection method: clinical testing. Allele origin: germline.
Comment: The p.S584L variant (also known as c.1751C>T), located in coding exon 1 of the SAMD9L gene, results from a C to T substitution at nucleotide position 1751. The serine at codon 584 is replaced by leucine, an amino acid with dissimilar properties. This amino acid position is conserved. In addition, this alteration is predicted to be tolerated by in silico analysis. Based on the available evidence, the clinical significance of this variant remains unclear.

NM_152703.5(SAMD9L):c.1751C>T (p.Ser584Leu)

Gene: SAMD9L (sterile alpha motif domain containing 9 like; minus strand). Cytogenetic location: 7q21.2.
Variant type: single nucleotide variant.
Coding change: c.1751C>T on transcript NM_152703.5 (MANE Select); coding-DNA position 1751, C replaced by T.
Protein change: p.Ser584Leu; replaces serine 584 with leucine.
Molecular consequence: missense variant.
Genome position (GRCh38, 1-based): chr7:93,134,221, G>A on the plus strand (C>T on the coding strand, the complement: SAMD9L is on the minus strand). VCF-style: chr7-93134221-G-A. GRCh37 (hg19) VCF-style: chr7-92763534-G-A.
Other names: c.1751C>T, p.Ser584Leu (NM_001303496.3, NM_001303497.3, NM_001303498.3 and 5 more transcripts); short protein forms S584L.
Identifiers: ClinVar variation 3437235 (VCV003437235.3).